The following is an entry in ClinVar:

NM_006231.4(POLE):c.4646C>T (p.Pro1549Leu)

Gene: POLE (DNA polymerase epsilon, catalytic subunit; minus strand). Cytogenetic location: 12q24.33.
Variant type: single nucleotide variant.
Coding change: c.4646C>T on transcript NM_006231.4 (MANE Select); coding-DNA position 4646, C replaced by T.
Protein change: p.Pro1549Leu; replaces proline 1549 with leucine.
Molecular consequence: missense variant.
Genome position (GRCh38, 1-based): chr12:132,642,902, G>A on the plus strand (C>T on the coding strand, the complement: POLE is on the minus strand). VCF-style: chr12-132642902-G-A. GRCh37 (hg19) VCF-style: chr12-133219488-G-A.
Other names: c.4646C>T (NM_006231.2); short protein forms P1549L.
Identifiers: ClinVar variation 540794 (VCV000540794.13), dbSNP rs577952179, ClinGen allele CA6892756.

ClinVar aggregate classification (germline): Conflicting classifications of pathogenicity. Review status: criteria provided, conflicting classifications (1 of 4 stars). 4 submissions from 4 submitters: Uncertain significance (2); Likely benign (1). 1 of the submissions does not count toward it. Last evaluated 2025-07-30.

Conditions:
POLE-related disorder. Also called: POLE-related disorders; POLE-related condition.
Hereditary cancer-predisposing syndrome. Also called: Neoplastic Syndromes, Hereditary; Hereditary Cancer Syndrome; Hereditary neoplastic syndrome; Tumor predisposition. Identifiers: Orphanet 140162, MedGen C0027672, MeSH D009386, MONDO:0015356.

gnomAD v4.1: 9 of 1,613,712 alleles (0.00056%); highest among the groups gnomAD compares: Admixed American, 0.005%; no homozygotes.

Submissions (4):

Labcorp Genetics (formerly Invitae), Labcorp
Classification: Uncertain significance. Last evaluated: 2025-07-30. Review status: criteria provided, single submitter. Criteria: Invitae Variant Classification Sherloc (09022015). Collection method: clinical testing. Allele origin: germline.
Comment: This sequence change replaces proline, which is neutral and non-polar, with leucine, which is neutral and non-polar, at codon 1549 of the POLE protein (p.Pro1549Leu). This variant is present in population databases (rs577952179, gnomAD 0.006%). This variant has not been reported in the literature in individuals affected with POLE-related conditions. ClinVar contains an entry for this variant (Variation ID: 540794). Invitae Evidence Modeling of protein sequence and biophysical properties (such as structural, functional, and spatial information, amino acid conservation, physicochemical variation, residue mobility, and thermodynamic stability) indicates that this missense variant is not expected to disrupt POLE protein function with a negative predictive value of 80%. In summary, the available evidence is currently insufficient to determine the role of this variant in disease. Therefore, it has been classified as a Variant of Uncertain Significance.

Ambry Genetics
Classification: Likely benign for Hereditary cancer-predisposing syndrome. Last evaluated: 2025-01-19. Review status: criteria provided, single submitter. Criteria: Ambry Variant Classification Scheme 2023. Collection method: clinical testing. Allele origin: germline.

GeneDx
Classification: Uncertain significance. Last evaluated: 2022-07-29. Review status: criteria provided, single submitter. Criteria: GeneDx Variant Classification Process June 2021. Collection method: clinical testing. Allele origin: germline. Affected: yes.
Comment: Not observed at significant frequency in large population cohorts (gnomAD); In silico analysis supports that this missense variant has a deleterious effect on protein structure/function; Has not been previously published as pathogenic or benign to our knowledge

PreventionGenetics, part of Exact Sciences
Classification: Uncertain significance for POLE-related condition. Last evaluated: 2024-03-26. Review status: no assertion criteria provided. Collection method: clinical testing. Allele origin: germline. Not counted in ClinVar's aggregate classification.
Comment: The POLE c.4646C>T variant is predicted to result in the amino acid substitution p.Pro1549Leu. To our knowledge, this variant has not been reported in the literature. This variant is reported in 0.0058% of alleles in individuals of Latino descent in gnomAD and is interpreted as uncertain significance in ClinVar. At this time, the clinical significance of this variant is uncertain due to the absence of conclusive functional and genetic evidence.